The following is an entry in ClinVar:

ClinVar aggregate classification (germline): Uncertain significance (1 of 4 stars; one submission).

Submission:

Labcorp Genetics (formerly Invitae), Labcorp
Classification: Uncertain significance. Last evaluated: 2021-08-05. Review status: criteria provided, single submitter. Criteria: Invitae Variant Classification Sherloc (09022015). Collection method: clinical testing. Allele origin: germline.
Comment: Algorithms developed to predict the effect of missense changes on protein structure and function are either unavailable or do not agree on the potential impact of this missense change (SIFT: "Tolerated"; PolyPhen-2: "Possibly Damaging"; Align-GVGD: "Class C0"). This variant has not been reported in the literature in individuals affected with PPCS-related conditions. This variant is not present in population databases (ExAC no frequency). This sequence change replaces arginine with histidine at codon 87 of the PPCS protein (p.Arg87His). The arginine residue is moderately conserved and there is a small physicochemical difference between arginine and histidine. In summary, the available evidence is currently insufficient to determine the role of this variant in disease. Therefore, it has been classified as a Variant of Uncertain Significance.

NM_024664.4(PPCS):c.260G>A (p.Arg87His)

Genes: CCDC30 (coiled-coil domain containing 30; plus strand), PPCS (phosphopantothenoylcysteine synthetase; plus strand), LOC129930344 (ATAC-STARR-seq lymphoblastoid active region 894; plus strand). Cytogenetic location: 1p34.2.
Variant type: single nucleotide variant.
Coding change: c.260G>A on transcript NM_024664.4 (MANE Select); coding-DNA position 260, G replaced by A.
Protein change: p.Arg87His; replaces arginine 87 with histidine.
Molecular consequence: missense variant. On other transcripts: intron variant (6), 5 prime UTR variant (1).
Genome position (GRCh38, 1-based): chr1:42,456,825, G>A. VCF-style: chr1-42456825-G-A. GRCh37 (hg19) VCF-style: chr1-42922496-G-A.
Other names: c.-328+326G>A (NM_001287507.1); c.-12+326G>A (NM_001287506.1); c.-12+101G>A (NM_001287508.2); c.-12+197G>A (NM_001077447.3); c.-12+242G>A (NM_001287509.2); c.-433G>A (NM_001287510.2); c.260G>A, p.Arg87His (NM_001287511.2); c.-984+326G>A (NM_001355226.2); short protein forms R87H.
Identifiers: ClinVar variation 1372571 (VCV001372571.7), dbSNP rs1643210451, ClinGen allele CA339944560.